The following is an entry in ClinVar:

NM_005529.7(HSPG2):c.9859G>A (p.Ala3287Thr)

Gene: HSPG2 (heparan sulfate proteoglycan 2; minus strand). Cytogenetic location: 1p36.12.
Variant type: single nucleotide variant.
Coding change: c.9859G>A on transcript NM_005529.7 (MANE Select); coding-DNA position 9859, G replaced by A.
Protein change: p.Ala3287Thr; replaces alanine 3287 with threonine.
Molecular consequence: missense variant.
Genome position (GRCh38, 1-based): chr1:21,839,401, C>T on the plus strand (G>A on the coding strand, the complement: HSPG2 is on the minus strand). VCF-style: chr1-21839401-C-T. GRCh37 (hg19) VCF-style: chr1-22165894-C-T.
Other names: c.9862G>A, p.Ala3288Thr (NM_001291860.2); c.9859G>A (NM_005529.5); short protein forms A3287T, A3288T.
Identifiers: ClinVar variation 1505634 (VCV001505634.26), dbSNP rs149276709, ClinGen allele CA670315.

ClinVar aggregate classification (germline): Uncertain significance. Review status: criteria provided, multiple submitters, no conflicts (2 of 4 stars). 5 submissions from 5 submitters: Uncertain significance (5). Last evaluated 2024-09-01.

Conditions:
Inborn genetic diseases. Identifiers: MedGen C0950123, MeSH D030342.

Allele frequency attached by ClinVar (database versions not stated): ExAC 0.00002; gnomAD 0.00002 and 0.00003; gnomAD exomes 0.00002; ESP Exome Variant Server 0.00008.
gnomAD v4.1: 64 of 1,613,478 alleles (0.004%); highest among the groups gnomAD compares: Middle Eastern, 0.016%; no homozygotes.

Submissions (5):

CeGaT Center for Human Genetics Tuebingen
Classification: Uncertain significance. Last evaluated: 2024-09-01. Review status: criteria provided, single submitter. Criteria: CeGaT Center For Human Genetics Tuebingen Variant Classification Criteria Version 2. Collection method: clinical testing. Allele origin: germline. Affected: yes. Observed: 1 variant allele.
Comment: HSPG2: PM2, BP4

Ambry Genetics
Classification: Uncertain significance for Inborn genetic diseases. Last evaluated: 2021-09-01. Review status: criteria provided, single submitter. Criteria: Ambry Variant Classification Scheme 2023. Collection method: clinical testing. Allele origin: germline.

Labcorp Genetics (formerly Invitae), Labcorp
Classification: Uncertain significance. Last evaluated: 2021-07-28. Review status: criteria provided, single submitter. Criteria: Invitae Variant Classification Sherloc (09022015). Collection method: clinical testing. Allele origin: germline.
Comment: In summary, the available evidence is currently insufficient to determine the role of this variant in disease. Therefore, it has been classified as a Variant of Uncertain Significance. Algorithms developed to predict the effect of missense changes on protein structure and function output the following: SIFT: "Tolerated"; PolyPhen-2: "Benign"; Align-GVGD: "Class C0". The threonine amino acid residue is found in multiple mammalian species, which suggests that this missense change does not adversely affect protein function. This variant has not been reported in the literature in individuals affected with HSPG2-related conditions. This variant is present in population databases (rs149276709, ExAC 0.006%). This sequence change replaces alanine with threonine at codon 3287 of the HSPG2 protein (p.Ala3287Thr). The alanine residue is weakly conserved and there is a small physicochemical difference between alanine and threonine.

Athena Diagnostics
Classification: Uncertain significance. Last evaluated: 2021-07-16. Review status: criteria provided, single submitter. Criteria: Athena Diagnostics Criteria. Collection method: clinical testing. Allele origin: unknown.

Revvity Omics, Revvity
Classification: Uncertain significance. Last evaluated: 2019-11-26. Review status: criteria provided, single submitter. Criteria: ACMG Guidelines, 2015. Collection method: clinical testing. Allele origin: germline.